The following is an entry in ClinVar:

ClinVar aggregate classification (germline): Pathogenic (1 of 4 stars; one submission).

Submission:

Labcorp Genetics (formerly Invitae), Labcorp
Classification: Pathogenic. Last evaluated: 2025-06-01. Review status: criteria provided, single submitter. Criteria: Invitae Variant Classification Sherloc (09022015). Collection method: clinical testing. Allele origin: germline.
Comment: This sequence change creates a premature translational stop signal (p.Pro425Hisfs*13) in the C2CD3 gene. It is expected to result in an absent or disrupted protein product. Loss-of-function variants in C2CD3 are known to be pathogenic (PMID: 24997988, 26477546). This variant is present in population databases (no rsID available, gnomAD 0.0009%). This variant has not been reported in the literature in individuals affected with C2CD3-related conditions. ClinVar contains an entry for this variant (Variation ID: 2989596). For these reasons, this variant has been classified as Pathogenic.

Literature cited by the submitters: PubMed 24997988; PubMed 26477546.

NM_001286577.2(C2CD3):c.1274del (p.Pro425fs)

Gene: C2CD3 (C2 domain containing 3 centriole elongation regulator; minus strand). Cytogenetic location: 11q13.4.
Variant type: Deletion.
Coding change: c.1274del on transcript NM_001286577.2 (MANE Select); coding-DNA position 1274, one base deleted (C; older notation c.1274delC).
Protein change: p.Pro425fs; shifts the reading frame from proline 425.
Molecular consequence: frameshift variant.
Genome position (GRCh38, 1-based): chr11:74,123,079, G deleted on the plus strand (C on the coding strand, the reverse complement: C2CD3 is on the minus strand); the first of 4 consecutive G bases (chr11:74,123,079-74,123,082); deleting any one gives the same sequence. VCF-style (leftmost placement, unchanged base first): chr11-74123078-TG-T. GRCh37 (hg19) VCF-style: chr11-73834123-TG-T.
Other names: c.1274del, p.Pro425fs (NM_015531.6); short protein forms P425fs.
Identifiers: ClinVar variation 2989596 (VCV002989596.3), dbSNP rs760575386, ClinGen allele CA600131752.